The following is an entry in ClinVar:

NM_175914.5(HNF4A):c.1267C>T (p.Pro423Ser)

Gene: HNF4A (hepatocyte nuclear factor 4 alpha; plus strand). Cytogenetic location: 20q13.12.
Variant type: single nucleotide variant.
Coding change: c.1267C>T on transcript NM_175914.5 (MANE Select); coding-DNA position 1267, C replaced by T.
Protein change: p.Pro423Ser; replaces proline 423 with serine.
Molecular consequence: missense variant.
Genome position (GRCh38, 1-based): chr20:44,429,573, C>T. VCF-style: chr20-44429573-C-T. GRCh37 (hg19) VCF-style: chr20-43058213-C-T.
Other names: NM_175914.5(HNF4A):c.1267C>T; p.Pro423Ser; c.1267C>T (NM_175914.3); c.1333C>T, p.Pro445Ser (NM_000457.6); c.1237C>T, p.Pro413Ser (NM_001030003.3); c.1312C>T, p.Pro438Ser (NM_001258355.2); c.1228C>T, p.Pro410Ser (NM_001287182.2); c.1258C>T, p.Pro420Ser (NM_001287183.2); and 1 more; short protein forms P420S, P423S, P445S, P410S, P413S, P438S, P435S.
Identifiers: ClinVar variation 129237 (VCV000129237.12), dbSNP rs1063239, ClinGen allele CA231163.
Genomic context (GRCh38, chr20:44,429,573, plus strand): 5'-GTCCTTCCAGCCACCCCTGAGACCCCACAGCCCTCACCGCCAGGTGGCTCAGGGTCTGAG[C>T]CCTATAAGCTCCTGCCGGGAGCCGTCGCCACAATCGTCAAGCCCCTCTCTGCCATCCCCC-3'
Protein context (NP_787110.2, residues 413-433): PSPPGGSGSE[Pro423Ser]YKLLPGAVAT

ClinVar aggregate classification (germline): Uncertain significance. Review status: reviewed by expert panel (3 of 4 stars). 7 submissions from 7 submitters: Uncertain significance (1). 6 of the submissions do not count toward it. Last evaluated 2024-12-12.

Conditions:
Monogenic diabetes. Identifiers: Orphanet 183625, MedGen C3888631, MONDO:0015967.
Maturity-onset diabetes of the young type 1. Also called: MILD JUVENILE DIABETES MELLITUS; MODY type 1; Diabetes mellitus MODY type 1; MODY HNF4A related; HNF4A-Related Maturity-Onset Diabetes of the Young Type 1; MODY, type I. Identifiers: Orphanet 552, MedGen C1852093, MONDO:0007452, OMIM 125850. Disease mechanism: loss of function.
Type 2 diabetes mellitus. Also called: Type II diabetes mellitus. Identifiers: MedGen C0011860, MeSH D003924, MONDO:0005148, OMIM 125853, HP:0005978.
Fanconi renotubular syndrome 4 with maturity-onset diabetes of the young (FRTS4). Also called: FRTS4 WITH MODY. Identifiers: Orphanet 93111, MedGen C4014962, MONDO:0014458, OMIM 616026.
Maturity-onset diabetes of the young (MODY). Also called: Maturity onset diabetes mellitus in young. Identifiers: Orphanet 552, MedGen C0342276, MONDO:0018911, HP:0004904.

Allele frequency attached by ClinVar (database versions not stated): gnomAD 0.00002; gnomAD exomes 0.00002 and 0.00004; TOPMed 0.00003; ExAC 0.00004; ESP Exome Variant Server 0.00008.
gnomAD v4.1: 62 of 1,613,928 alleles (0.0038%); highest among the groups gnomAD compares: Non-Finnish European, 0.0037%; no homozygotes.

Submissions (7):

ClinGen Monogenic Diabetes Variant Curation Expert Panel
Classification: Uncertain significance for Monogenic diabetes. Last evaluated: 2024-12-12. Review status: reviewed by expert panel. Criteria: ClinGen Diabetes ACMG Specifications HNF4A V2.0.0. Collection method: curation. Allele origin: germline. Inheritance: Autosomal dominant inheritance.
Comment: The c.1267C>T variant in the hepatocyte nuclear factor 4 alpha gene, HNF4A, causes an amino acid change of proline to serine at codon 423 (p.(Pro423Ser)) of NM_175914.5. This variant has a gnomAD v2.1.1 Grpmax filtering allele frequency of 0.000002920 (below the MDEP threshold of 0.000003), however, it has > 2 copies observed in the European non-Finnish population and other subpopulations; therefore, this variant does not meet the ClinGen MDEP-established cutoff for PM2_Supporting. This variant is predicted to be benign by computational evidence, with a REVEL score of 0.059, which is less than or equal to the MDEP threshold of 0.15 (BP4). While studies exploring the effect of this variant on protein function have been performed, these studies do not meet the criteria set forth by the MDEP for the application of PS3 or BS3 (PMID: 22308320). This variant was identified in an individual with diabetes; however, the calculated MODY probability is <50% (PMID: 15111529 ). In summary, c.1267C>T meets the criteria to be classified as uncertain significance for monogenic diabetes. ACMG/AMP criteria applied, as specified by the ClinGen MDEP VCEP (specification version 2.0.0, approved 10/11/2023): BP4.

GeneDx
Classification: Uncertain significance. Last evaluated: 2025-08-12. Review status: criteria provided, single submitter. Criteria: GeneDx Variant Classification Process June 2021. Collection method: clinical testing. Allele origin: germline. Affected: yes. Not counted in ClinVar's aggregate classification.
Comment: Reported in a patient with atypical type 1 diabetes in published literature (PMID: 15111529); In silico analysis suggests that this missense variant does not alter protein structure/function; This variant is associated with the following publications: (PMID: 24097065, 22308320, 15111529)

Labcorp Genetics (formerly Invitae), Labcorp
Classification: Uncertain significance. Last evaluated: 2025-01-24. Review status: criteria provided, single submitter. Criteria: Invitae Variant Classification Sherloc (09022015). Collection method: clinical testing. Allele origin: germline. Not counted in ClinVar's aggregate classification.
Comment: This sequence change replaces proline, which is neutral and non-polar, with serine, which is neutral and polar, at codon 423 of the HNF4A protein (p.Pro423Ser). This variant is present in population databases (rs1063239, gnomAD 0.02%). This missense change has been observed in individual(s) with HNF4A-related conditions (PMID: 15111529). This variant is also known as Pro436Ser or Pro445Ser . ClinVar contains an entry for this variant (Variation ID: 129237). An algorithm developed to predict the effect of missense changes on protein structure and function outputs the following: PolyPhen-2: "Benign". The serine amino acid residue is found in multiple mammalian species, which suggests that this missense change does not adversely affect protein function. Experimental studies have shown that this missense change affects HNF4A function (PMID: 22308320). In summary, the available evidence is currently insufficient to determine the role of this variant in disease. Therefore, it has been classified as a Variant of Uncertain Significance.

Women's Health and Genetics/Laboratory Corporation of America, LabCorp
Classification: Uncertain significance. Last evaluated: 2023-07-02. Review status: criteria provided, single submitter. Criteria: LabCorp Variant Classification Summary - May 2015. Collection method: clinical testing. Allele origin: germline. Not counted in ClinVar's aggregate classification.
Comment: Variant summary: HNF4A c.1267C>T (p.Pro423Ser) results in a non-conservative amino acid change in the encoded protein sequence. Four of five in-silico tools predict a benign effect of the variant on protein function. The variant allele was found at a frequency of 2.4e-05 in 251382 control chromosomes. The available data on variant occurrences in the general population are insufficient to allow any conclusion about variant significance. c.1267C>T has been reported in the literature in individuals affected with Diabetes (example, Aguilera_2004) and as "not possibly/putatively pathogenic" at-least one case in the Jackson Heart Study cohort, in which a majority (>80%) of variant carriers did not develop diabetes. These report(s) do not provide unequivocal conclusions about association of the variant with Maturity Onset Diabetes Of The Young 1/Neonatal Diabetes Mellitus. To our knowledge, no informative experimental evidence demonstrating an impact on protein function has been reported. The following publications have been ascertained in the context of this evaluation (PMID: 15111529, 22308320, 24097065, 30648609). One submitter has cited clinical-significance assessments for this variant to ClinVar after 2014 and has classified the variant as uncertain significance. Based on the evidence outlined above, the variant was classified as uncertain significance.

Fulgent Genetics
Classification: Uncertain significance for Maturity-onset diabetes of the young type 1; Type 2 diabetes mellitus; Fanconi renotubular syndrome 4 with maturity-onset diabetes of the young. Last evaluated: 2021-09-14. Review status: criteria provided, single submitter. Criteria: ACMG Guidelines, 2015. Collection method: clinical testing. Allele origin: unknown. Not counted in ClinVar's aggregate classification.

Genetic Services Laboratory, University of Chicago
Classification: Uncertain significance. Last evaluated: 2013-07-23. Review status: criteria provided, single submitter. Criteria: ACMG Guidelines, 2007. Collection method: clinical testing. Allele origin: germline. Inheritance: Autosomal dominant inheritance. Not counted in ClinVar's aggregate classification.

Clinical Genomics, Uppaluri K&H Personalized Medicine Clinic
Classification: Uncertain significance for Maturity-onset diabetes of the young. Review status: criteria provided, single submitter. Criteria: K & H Uppaluri Personalized Medicine Clinic Variant Classification & Assertion Criteria_Updated V.1. Collection method: research. Allele origin: unknown. Inheritance: Autosomal dominant inheritance. Not counted in ClinVar's aggregate classification.
Comment: Potent mutations in HNF4A are associated with poor insulin secretion in response to hyperglycemia. Associated with MODY1. Patients initially respond well to sulfonylureas but eventually become insulin dependent. However, more evidence is required to ascertain the role of this particular variant rs1063239 in MODY, yet.

Literature cited by the submitters: PubMed 15111529 (cited by Labcorp Genetics (formerly Invitae), Labcorp and Women's Health and Genetics/Laboratory Corporation of America, LabCorp); PubMed 22308320 (cited by Labcorp Genetics (formerly Invitae), Labcorp and Women's Health and Genetics/Laboratory Corporation of America, LabCorp); PubMed 24097065 (cited by Women's Health and Genetics/Laboratory Corporation of America, LabCorp); PubMed 30648609 (cited by Women's Health and Genetics/Laboratory Corporation of America, LabCorp); DOI 10.1159/000334532 (cited by Clinical Genomics, Uppaluri K&H Personalized Medicine Clinic); PubMed 18268044 (cited by Clinical Genomics, Uppaluri K&H Personalized Medicine Clinic); PubMed 17563455 (cited by Clinical Genomics, Uppaluri K&H Personalized Medicine Clinic); PubMed 32583173 (cited by Clinical Genomics, Uppaluri K&H Personalized Medicine Clinic); PubMed 35052457 (cited by Clinical Genomics, Uppaluri K&H Personalized Medicine Clinic); PubMed 35118593 (cited by Clinical Genomics, Uppaluri K&H Personalized Medicine Clinic).